The following is an entry in ClinVar:

NM_172107.4(KCNQ2):c.928-6T>C

Gene: KCNQ2 (potassium voltage-gated channel subfamily Q member 2; minus strand). Cytogenetic location: 20q13.33.
Variant type: single nucleotide variant.
Coding change: c.928-6T>C on transcript NM_172107.4 (MANE Select); 6 bases into the intron before coding-DNA position 928, T replaced by C.
Molecular consequence: intron variant.
Genome position (GRCh38, 1-based): chr20:63,438,726, A>G on the plus strand (T>C on the coding strand, the complement: KCNQ2 is on the minus strand). VCF-style: chr20-63438726-A-G. GRCh37 (hg19) VCF-style: chr20-62070079-A-G.
Other names: c.928-6T>C (NM_004518.6, NM_172108.5, NM_172106.3 and 2 more transcripts).
Identifiers: ClinVar variation 2710548 (VCV002710548.3), dbSNP rs2516410295, ClinGen allele CA2697547462.
Genomic context (GRCh38, chr20:63,438,726, plus strand): 5'-GCTTCTGCCTGTGCTGCTCCTGAACCTTCAGGGCAAACCCAGACCCCAAGATGCCCTGCA[A>G]TTCATCAGGGTCAGGTCACACCCCAGGGACCCCCCACACCCCAATTCATCAGGGTCAGAC-3'

ClinVar aggregate classification (germline): Uncertain significance (1 of 4 stars; one submission).

Conditions:
Early-infantile DEE. Also called: Early infantile epileptic encephalopathy with suppression bursts; Early infantile epileptic encephalopathy; Ohtahara syndrome. Identifiers: Orphanet 1934, MedGen C0393706, MONDO:0800491.

Submission:

Labcorp Genetics (formerly Invitae), Labcorp
Classification: Uncertain significance for Early-infantile DEE. Last evaluated: 2025-06-09. Review status: criteria provided, single submitter. Criteria: Invitae Variant Classification Sherloc (09022015). Collection method: clinical testing. Allele origin: germline.
Comment: This sequence change falls in intron 6 of the KCNQ2 gene. It does not directly change the encoded amino acid sequence of the KCNQ2 protein. This variant is not present in population databases (gnomAD no frequency). This variant has not been reported in the literature in individuals affected with KCNQ2-related conditions. ClinVar contains an entry for this variant (Variation ID: 2710548). Algorithms developed to predict the effect of sequence changes on RNA splicing suggest that this variant may disrupt the consensus splice site. In summary, the available evidence is currently insufficient to determine the role of this variant in disease. Therefore, it has been classified as a Variant of Uncertain Significance.